The following is an entry in ClinVar:

NM_000341.4(SLC3A1):c.1258T>C (p.Ser420Pro)

Gene: SLC3A1 (solute carrier family 3 member 1; plus strand). Cytogenetic location: 2p21.
Variant type: single nucleotide variant.
Coding change: c.1258T>C on transcript NM_000341.4 (MANE Select); coding-DNA position 1258, T replaced by C.
Protein change: p.Ser420Pro; replaces serine 420 with proline.
Molecular consequence: missense variant.
Genome position (GRCh38, 1-based): chr2:44,304,264, T>C. VCF-style: chr2-44304264-T-C. GRCh37 (hg19) VCF-style: chr2-44531403-T-C.
Other names: short protein forms S420P.
Identifiers: ClinVar variation 2903056 (VCV002903056.3), dbSNP rs370023281, ClinGen allele CA46500591.

ClinVar aggregate classification (germline): Uncertain significance (1 of 4 stars; one submission).

Conditions:
Cystinuria (CSNU). Also called: Cystinuria, non-type I; CYSTINURIA, TYPE I; CYSTINURIA, TYPE II; CYSTINURIA, TYPE III. Identifiers: Orphanet 214, MedGen C0010691, MONDO:0009067, OMIM 220100, HP:0003131.

Allele frequency attached by ClinVar (database versions not stated): gnomAD 0.00001; TOPMed 0.00002; ESP Exome Variant Server 0.00008.
gnomAD v4.1: 3 of 1,614,052 alleles (0.00019%); highest among the groups gnomAD compares: African/African-American, 0.0027%; no homozygotes.

Submission:

Labcorp Genetics (formerly Invitae), Labcorp
Classification: Uncertain significance for Cystinuria. Last evaluated: 2023-06-22. Review status: criteria provided, single submitter. Criteria: Invitae Variant Classification Sherloc (09022015). Collection method: clinical testing. Allele origin: germline.
Comment: This sequence change replaces serine, which is neutral and polar, with proline, which is neutral and non-polar, at codon 420 of the SLC3A1 protein (p.Ser420Pro). This variant is present in population databases (rs370023281, gnomAD 0.003%). This variant has not been reported in the literature in individuals affected with SLC3A1-related conditions. Advanced modeling of protein sequence and biophysical properties (such as structural, functional, and spatial information, amino acid conservation, physicochemical variation, residue mobility, and thermodynamic stability) has been performed at Invitae for this missense variant, however the output from this modeling did not meet the statistical confidence thresholds required to predict the impact of this variant on SLC3A1 protein function. In summary, the available evidence is currently insufficient to determine the role of this variant in disease. Therefore, it has been classified as a Variant of Uncertain Significance.